The following is an entry in ClinVar:

ClinVar aggregate classification (germline): Pathogenic (1 of 4 stars; one submission).

Conditions:
Neurofibromatosis, type 1 (NF1). Also called: Neurofibromatosis, type I; VON RECKLINGHAUSEN DISEASE; Peripheral type neurofibromatosis; NEUROFIBROMATOSIS, TYPE I, SOMATIC. Identifiers: Orphanet 636, MedGen C0027831, MONDO:0018975, OMIM 162200. Disease mechanism: loss of function.

Submission:

Labcorp Genetics (formerly Invitae), Labcorp
Classification: Pathogenic for Neurofibromatosis, type 1. Last evaluated: 2019-02-08. Review status: criteria provided, single submitter. Criteria: Invitae Variant Classification Sherloc (09022015). Collection method: clinical testing. Allele origin: germline.
Comment: This sequence change creates a premature translational stop signal (p.Val759Glyfs*5) in the NF1 gene. It is expected to result in an absent or disrupted protein product. This variant is not present in population databases (ExAC no frequency). For these reasons, this variant has been classified as Pathogenic. Loss-of-function variants in NF1 are known to be pathogenic (PMID: 10712197, 23913538). This variant has not been reported in the literature in individuals with NF1-related conditions.

Literature cited by the submitters: PubMed 10712197; PubMed 23913538.

NM_001042492.3(NF1):c.2276del (p.Val759fs)

Gene: NF1 (neurofibromin 1; plus strand). Cytogenetic location: 17q11.2.
Variant type: Deletion.
Coding change: c.2276del on transcript NM_001042492.3 (MANE Select); coding-DNA position 2276, one base deleted (T; older notation c.2276delT).
Protein change: p.Val759fs; shifts the reading frame from valine 759.
Molecular consequence: frameshift variant.
Genome position (GRCh38, 1-based): chr17:31,227,242, T deleted. VCF-style (leftmost placement, unchanged base first): chr17-31227241-GT-G. GRCh37 (hg19) VCF-style: chr17-29554259-GT-G.
Other names: c.2276delT, p.Val759Glyfs (NM_000267.4); short protein forms V759fs.
Identifiers: ClinVar variation 859969 (VCV000859969.6), dbSNP rs2067031123, ClinGen allele CA916080592.
Genomic context (GRCh38, chr17:31,227,241, plus strand): 5'-AAGTGCAGTAACTTGATTTGCTGTTGTATTTGCTTAGGAAGAGCAGCACTTCAGAAAAGA[GT>G]GATGGCACTGCTGAGGCGCATTGAGCATCCCACTGCAGGAAACACTGAGGTATGCCCTTA-3'